The following is an entry in ClinVar:

ClinVar aggregate classification (germline): Uncertain significance (1 of 4 stars; one submission).

gnomAD v4.1: 10 of 1,612,288 alleles (0.00062%); highest among the groups gnomAD compares: Non-Finnish European, 0.00085%; no homozygotes.

Submission:

Ambry Genetics
Classification: Uncertain significance. Last evaluated: 2025-02-04. Review status: criteria provided, single submitter. Criteria: Ambry Variant Classification Scheme 2023. Collection method: clinical testing. Allele origin: germline.
Comment: The p.A454P variant (also known as c.1360G>C), located in coding exon 12 of the GEN1 gene, results from a G to C substitution at nucleotide position 1360. The alanine at codon 454 is replaced by proline, an amino acid with highly similar properties. This amino acid position is conserved. In addition, the in silico prediction for this alteration is inconclusive. Based on the available evidence, the clinical significance of this variant remains unclear.

NM_001130009.3(GEN1):c.1360G>C (p.Ala454Pro)

Gene: GEN1 (GEN1 Holliday junction 5' flap endonuclease; plus strand). Cytogenetic location: 2p24.2.
Variant type: single nucleotide variant.
Coding change: c.1360G>C on transcript NM_001130009.3 (MANE Select); coding-DNA position 1360, G replaced by C.
Protein change: p.Ala454Pro; replaces alanine 454 with proline.
Molecular consequence: missense variant.
Genome position (GRCh38, 1-based): chr2:17,780,073, G>C. VCF-style: chr2-17780073-G-C. GRCh37 (hg19) VCF-style: chr2-17961340-G-C.
Other names: c.1360G>C, p.Ala454Pro (NM_182625.5); short protein forms A454P.
Identifiers: ClinVar variation 3853548 (VCV003853548.1).
Genomic context (GRCh38, chr2:17,780,073, plus strand): 5'-TTTGCTTTATTAACAATTGAGGAAGAATCATTGTTTGAAGCAGCATATCCTGAGATCGTT[G>C]CTGTTTACCAAAAACAAAAGTTAGAAATTAAAGGGAAGAAACAAAAACGTAAGTTTTGGG-3'
Protein context (NP_001123481.3, residues 444-464): LFEAAYPEIV[Ala454Pro]VYQKQKLEIK